The following is an entry in ClinVar:

ClinVar aggregate classification (germline): Uncertain significance. Review status: criteria provided, multiple submitters, no conflicts (2 of 4 stars). 2 submissions from 2 submitters: Uncertain significance (2). Last evaluated 2022-03-19.

Conditions:
Inborn genetic diseases. Identifiers: MedGen C0950123, MeSH D030342.

gnomAD v4.1: 1 of 1,613,154 alleles (0.000062%); highest among the groups gnomAD compares: Admixed American, 0.0017%; no homozygotes.

Submissions (2):

Ambry Genetics
Classification: Uncertain significance for Inborn genetic diseases. Last evaluated: 2022-03-19. Review status: criteria provided, single submitter. Criteria: Ambry Variant Classification Scheme 2023. Collection method: clinical testing. Allele origin: germline.
Comment: The p.A76S variant (also known as c.226G>T), located in coding exon 2 of the MDH2 gene, results from a G to T substitution at nucleotide position 226. The alanine at codon 76 is replaced by serine, an amino acid with similar properties. This amino acid position is conserved. In addition, this alteration is predicted to be tolerated by in silico analysis. Since supporting evidence is limited at this time, the clinical significance of this alteration remains unclear.

Labcorp Genetics (formerly Invitae), Labcorp
Classification: Uncertain significance. Last evaluated: 2022-02-03. Review status: criteria provided, single submitter. Criteria: Invitae Variant Classification Sherloc (09022015). Collection method: clinical testing. Allele origin: germline.
Comment: The frequency data for this variant in the population databases is considered unreliable, as metrics indicate poor data quality at this position in the gnomAD database. This sequence change replaces alanine, which is neutral and non-polar, with serine, which is neutral and polar, at codon 76 of the MDH2 protein (p.Ala76Ser). This variant has not been reported in the literature in individuals affected with MDH2-related conditions. In summary, the available evidence is currently insufficient to determine the role of this variant in disease. Therefore, it has been classified as a Variant of Uncertain Significance. Algorithms developed to predict the effect of missense changes on protein structure and function output the following: SIFT: "Tolerated"; PolyPhen-2: "Benign"; Align-GVGD: "Class C0". The serine amino acid residue is found in multiple mammalian species, which suggests that this missense change does not adversely affect protein function.

NM_005918.4(MDH2):c.226G>T (p.Ala76Ser)

Gene: MDH2 (malate dehydrogenase 2; plus strand). Cytogenetic location: 7q11.23.
Variant type: single nucleotide variant.
Coding change: c.226G>T on transcript NM_005918.4 (MANE Select); coding-DNA position 226, G replaced by T.
Protein change: p.Ala76Ser; replaces alanine 76 with serine.
Molecular consequence: missense variant. On other transcripts: intron variant (1).
Genome position (GRCh38, 1-based): chr7:76,054,989, G>T. VCF-style: chr7-76054989-G-T. GRCh37 (hg19) VCF-style: chr7-75684307-G-T.
Other names: c.226G>T, p.Ala76Ser (NM_001282403.2); c.-86-2421G>T (NM_001282404.2); short protein forms A76S.
Identifiers: ClinVar variation 1517322 (VCV001517322.10), dbSNP rs375592605, ClinGen allele CA367762712.